The following is an entry in ClinVar:

ClinVar aggregate classification (germline): Uncertain significance. Review status: criteria provided, multiple submitters, no conflicts (2 of 4 stars). 2 submissions from 2 submitters: Uncertain significance (2). Last evaluated 2025-12-03.

Conditions:
Inborn genetic diseases. Identifiers: MedGen C0950123, MeSH D030342.

Allele frequency attached by ClinVar (database versions not stated): ExAC 0.00004; 1000 Genomes Project 0.00060; 1000 Genomes Project 30x 0.00062.
gnomAD v4.1: 55 of 1,613,500 alleles (0.0034%); highest among the groups gnomAD compares: Admixed American, 0.087%; no homozygotes.

Submissions (2):

Labcorp Genetics (formerly Invitae), Labcorp
Classification: Uncertain significance. Last evaluated: 2025-12-03. Review status: criteria provided, single submitter. Criteria: Invitae Variant Classification Sherloc (09022015). Collection method: clinical testing. Allele origin: germline.
Comment: This sequence change replaces alanine, which is neutral and non-polar, with glycine, which is neutral and non-polar, at codon 664 of the NCSTN protein (p.Ala664Gly). This variant is present in population databases (rs201970922, gnomAD 0.04%), and has an allele count higher than expected for a pathogenic variant. This variant has not been reported in the literature in individuals affected with NCSTN-related conditions. ClinVar contains an entry for this variant (Variation ID: 1432848). Invitae Evidence Modeling of protein sequence and biophysical properties (such as structural, functional, and spatial information, amino acid conservation, physicochemical variation, residue mobility, and thermodynamic stability) has been performed for this missense variant. However, the output from this modeling did not meet the statistical confidence thresholds required to predict the impact of this variant on NCSTN protein function. In summary, the available evidence is currently insufficient to determine the role of this variant in disease. Therefore, it has been classified as a Variant of Uncertain Significance.

Ambry Genetics
Classification: Uncertain significance for Inborn genetic diseases. Last evaluated: 2025-09-21. Review status: criteria provided, single submitter. Criteria: Ambry Variant Classification Scheme 2023. Collection method: clinical testing. Allele origin: germline.

NM_015331.3(NCSTN):c.1991C>G (p.Ala664Gly)

Gene: NCSTN (nicastrin; plus strand). Cytogenetic location: 1q23.2.
Variant type: single nucleotide variant.
Coding change: c.1991C>G on transcript NM_015331.3 (MANE Select); coding-DNA position 1991, C replaced by G.
Protein change: p.Ala664Gly; replaces alanine 664 with glycine.
Molecular consequence: missense variant. On other transcripts: intron variant (1).
Genome position (GRCh38, 1-based): chr1:160,357,237, C>G. VCF-style: chr1-160357237-C-G. GRCh37 (hg19) VCF-style: chr1-160327027-C-G.
Other names: c.1931C>G, p.Ala644Gly (NM_001290184.2); c.1577C>G, p.Ala526Gly (NM_001290186.2); c.1794+483C>G (NM_001349729.2); c.1991C>G (NM_015331.2); short protein forms A526G, A644G, A664G.
Identifiers: ClinVar variation 1432848 (VCV001432848.9), dbSNP rs201970922, ClinGen allele CA1199141.
Genomic context (GRCh38, chr1:160,357,237, plus strand): 5'-AATACTCTACATGGACTGAGAGCCGCTGGAAAGATATCCGTGCCCGGATATTTCTCATCG[C>G]CAGCAAAGAGCTTGAGGTGAGATGGGGCAGGGGCATAGGTGGCAGGGATCTGTTTGACTT-3'
Protein context (NP_056146.1, residues 654-674): KDIRARIFLI[Ala664Gly]SKELELITLT